The following is an entry in ClinVar:

NM_001267550.2(TTN):c.70526T>C (p.Val23509Ala)

Genes: TTN (titin; minus strand), TTN-AS1 (TTN antisense RNA 1; plus strand), LOC126806422 (BRD4-independent group 4 enhancer GRCh37_chr2:179440205-179441404; plus strand). Cytogenetic location: 2q31.2.
Variant type: single nucleotide variant.
Coding change: c.70526T>C on transcript NM_001267550.2 (MANE Select); coding-DNA position 70526, T replaced by C.
Protein change: p.Val23509Ala; replaces valine 23509 with alanine.
Molecular consequence: missense variant.
Genome position (GRCh38, 1-based): chr2:178,575,606, A>G on the plus strand (T>C on the coding strand, the complement: TTN is on the minus strand). VCF-style: chr2-178575606-A-G. GRCh37 (hg19) VCF-style: chr2-179440333-A-G.
Other names: c.65603T>C, p.Val21868Ala (NM_001256850.1); c.43331T>C, p.Val14444Ala (NM_003319.4); c.62822T>C, p.Val20941Ala (NM_133378.4); c.43706T>C, p.Val14569Ala (NM_133432.3); c.43907T>C, p.Val14636Ala (NM_133437.4); short protein forms V14444A, V14569A, V20941A, V14636A, V23509A, V21868A.
Identifiers: ClinVar variation 1739800 (VCV001739800.3), dbSNP rs926271333, ClinGen allele CA349662697.
Genomic context (GRCh38, chr2:178,575,606, plus strand): 5'-GCTTTTACGGGCTCTGTAGTTTCTGTTGGCTCACCAATTCCATATTCATTCTCTGCCATC[A>G]CTCTGAAGAAATATTCACACCCTTCAGACAAGCCGGTAACTTTATATGTGCATTTATGGC-3'
Protein context (NP_001254479.2, residues 23499-23519): LSEGCEYFFR[Val23509Ala]MAENEYGIGE

ClinVar aggregate classification (germline): Uncertain significance. Review status: criteria provided, multiple submitters, no conflicts (2 of 4 stars). 2 submissions from 2 submitters: Uncertain significance (2). Last evaluated 2024-04-12.

Conditions:
Cardiovascular phenotype. Identifiers: MedGen CN230736.

Submissions (2):

GeneDx
Classification: Uncertain significance. Last evaluated: 2024-04-12. Review status: criteria provided, single submitter. Criteria: GeneDx Variant Classification Process June 2021. Collection method: clinical testing. Allele origin: germline. Affected: yes.
Comment: Not observed at significant frequency in large population cohorts (gnomAD); Missense variant in a gene in which most reported pathogenic variants are truncating/loss of function; Has not been previously published as pathogenic or benign to our knowledge

Ambry Genetics
Classification: Uncertain significance for Cardiovascular phenotype. Last evaluated: 2019-12-27. Review status: criteria provided, single submitter. Criteria: Ambry Variant Classification Scheme 2023. Collection method: clinical testing. Allele origin: germline.
Comment: The p.V14444A variant (also known as c.43331T>C), located in coding exon 153 of the TTN gene, results from a T to C substitution at nucleotide position 43331. The valine at codon 14444 is replaced by alanine, an amino acid with similar properties. This amino acid position is highly conserved in available vertebrate species. In addition, the in silico prediction for this alteration is inconclusive. Since supporting evidence is limited at this time, the clinical significance of this alteration remains unclear.